The following is an entry in ClinVar:

ClinVar aggregate classification (germline): not provided (0 of 4 stars; one submission).

Submission:

Human Evolutionary Genetics, Institut Pasteur
No classification provided. Review status: no classification provided. Collection method: not provided. Allele origin: germline.
ClinVar note: Converted during submission from untested to not provided.

NM_006092.4(NOD1):c.2285+372T>A

Gene: NOD1 (nucleotide binding oligomerization domain containing 1; minus strand). Cytogenetic location: 7p14.3.
Variant type: single nucleotide variant.
Coding change: c.2285+372T>A on transcript NM_006092.4 (MANE Select); 372 bases into the intron after coding-DNA position 2285, T replaced by A.
Molecular consequence: intron variant.
Genome position (GRCh38, 1-based): chr7:30,447,926, A>T on the plus strand (T>A on the coding strand, the complement: NOD1 is on the minus strand). VCF-style: chr7-30447926-A-T. GRCh37 (hg19) VCF-style: chr7-30487542-A-T.
Other names: c.2285+372T>A (NM_001354849.2).
Identifiers: ClinVar variation 103100 (VCV000103100.2), dbSNP rs199475904, ClinGen allele CA230117.
Genomic context (GRCh38, chr7:30,447,926, plus strand): 5'-TGGGGCACTGCCTTAGACCCCTGCGGCCACGTCATGCCATAGCATGCACTCAGAATCCCC[A>T]TTCGGGTCTTGCCCCAAAGGCTCTGGATGAGGGATTATGGACCCAAAATAGTCCAGACTA-3'